The following is an entry in ClinVar:

ClinVar aggregate classification (germline): Uncertain significance. Review status: criteria provided, single submitter (1 of 4 stars). 2 submissions from 2 submitters: Uncertain significance (1). 1 of the submissions does not count toward it. Last evaluated 2025-02-03.

Conditions:
Glucose-6-phosphate transport defect (GSD1B). Also called: Glycogen Storage Disease Type Ib; GSD Ib. Identifiers: Orphanet 364, Orphanet 79259, MedGen C0268146, MONDO:0009288, OMIM 232220.

Allele frequency attached by ClinVar (database versions not stated): gnomAD exomes 0.00001.

Submissions (2):

Labcorp Genetics (formerly Invitae), Labcorp
Classification: Uncertain significance for Glucose-6-phosphate transport defect. Last evaluated: 2025-02-03. Review status: criteria provided, single submitter. Criteria: Invitae Variant Classification Sherloc (09022015). Collection method: clinical testing. Allele origin: germline.
Comment: This sequence change replaces alanine, which is neutral and non-polar, with glycine, which is neutral and non-polar, at codon 160 of the SLC37A4 protein (p.Ala160Gly). This variant is present in population databases (no rsID available, gnomAD 0.007%). This variant has not been reported in the literature in individuals affected with SLC37A4-related conditions. ClinVar contains an entry for this variant (Variation ID: 549993). Invitae Evidence Modeling of protein sequence and biophysical properties (such as structural, functional, and spatial information, amino acid conservation, physicochemical variation, residue mobility, and thermodynamic stability) indicates that this missense variant is not expected to disrupt SLC37A4 protein function with a negative predictive value of 80%. In summary, the available evidence is currently insufficient to determine the role of this variant in disease. Therefore, it has been classified as a Variant of Uncertain Significance.

Counsyl
Classification: Uncertain significance for Glucose-6-phosphate transport defect. Last evaluated: 2017-04-21. Review status: no assertion criteria provided. Collection method: clinical testing. Allele origin: unknown. Not counted in ClinVar's aggregate classification.

NM_001164277.2(SLC37A4):c.479C>G (p.Ala160Gly)

Gene: SLC37A4 (solute carrier family 37 member 4; minus strand). Cytogenetic location: 11q23.3.
Variant type: single nucleotide variant.
Coding change: c.479C>G on transcript NM_001164277.2 (MANE Select); coding-DNA position 479, C replaced by G.
Protein change: p.Ala160Gly; replaces alanine 160 with glycine.
Molecular consequence: missense variant.
Genome position (GRCh38, 1-based): chr11:119,027,775, G>C on the plus strand (C>G on the coding strand, the complement: SLC37A4 is on the minus strand). VCF-style: chr11-119027775-G-C. GRCh37 (hg19) VCF-style: chr11-118898485-G-C.
Other names: c.479C>G, p.Ala160Gly (NM_001164278.2, NM_001164280.2, NM_001467.6); c.260C>G, p.Ala87Gly (NM_001164279.2); short protein forms A160G, A87G.
Identifiers: ClinVar variation 549993 (VCV000549993.6), dbSNP rs1438731101, ClinGen allele CA382903101.
Genomic context (GRCh38, chr11:119,027,775, plus strand): 5'-AGACAACCACACCACAGTGCCCCAGATAGGGCCAGCGTGCTGCGCCAGCTGTAGCTCTGG[G>C]CAAGGATGGTTGCCAGGATAGGGCCCAGCCCTCCAGCCAGGTTCATGCTGGTTGACAGGA-3'
Protein context (NP_001157749.1, residues 150-170): GLGPILATIL[Ala160Gly]QSYSWRSTLA